The following is an entry in ClinVar:

ClinVar aggregate classification (germline): Uncertain significance. Review status: criteria provided, multiple submitters, no conflicts (2 of 4 stars). 4 submissions from 4 submitters: Uncertain significance (4). Last evaluated 2025-12-29.

Conditions:
Hereditary cancer-predisposing syndrome. Also called: Neoplastic Syndromes, Hereditary; Hereditary Cancer Syndrome; Hereditary neoplastic syndrome; Tumor predisposition. Identifiers: Orphanet 140162, MedGen C0027672, MeSH D009386, MONDO:0015356.

Allele frequency attached by ClinVar (database versions not stated): TOPMed 0.00001; ExAC 0.00003; gnomAD exomes 0.00003.
gnomAD v4.1: 20 of 1,613,892 alleles (0.0012%); highest among the groups gnomAD compares: East Asian, 0.0022%; no homozygotes.

Submissions (4):

Center for Genomic Medicine, Rigshospitalet, Copenhagen University Hospital
Classification: Uncertain significance. Last evaluated: 2025-12-29. Review status: criteria provided, single submitter. Criteria: ACMG Guidelines, 2015. Collection method: clinical testing. Allele origin: germline.

Labcorp Genetics (formerly Invitae), Labcorp
Classification: Uncertain significance. Last evaluated: 2025-12-15. Review status: criteria provided, single submitter. Criteria: Invitae Variant Classification Sherloc (09022015). Collection method: clinical testing. Allele origin: germline.
Comment: This sequence change replaces glycine, which is neutral and non-polar, with arginine, which is basic and polar, at codon 2226 of the POLE protein (p.Gly2226Arg). This variant is present in population databases (rs766291093, gnomAD 0.006%). This variant has not been reported in the literature in individuals affected with POLE-related conditions. ClinVar contains an entry for this variant (Variation ID: 540703). Invitae Evidence Modeling of protein sequence and biophysical properties (such as structural, functional, and spatial information, amino acid conservation, physicochemical variation, residue mobility, and thermodynamic stability) indicates that this missense variant is not expected to disrupt POLE protein function with a negative predictive value of 80%. In summary, the available evidence is currently insufficient to determine the role of this variant in disease. Therefore, it has been classified as a Variant of Uncertain Significance.

Ambry Genetics
Classification: Uncertain significance for Hereditary cancer-predisposing syndrome. Last evaluated: 2025-01-07. Review status: criteria provided, single submitter. Criteria: Ambry Variant Classification Scheme 2023. Collection method: clinical testing. Allele origin: germline.
Comment: The p.G2226R variant (also known as c.6676G>A), located in coding exon 48 of the POLE gene, results from a G to A substitution at nucleotide position 6676. The glycine at codon 2226 is replaced by arginine, an amino acid with dissimilar properties. This amino acid position is highly conserved in available vertebrate species. In addition, the in silico prediction for this alteration is inconclusive. Based on the available evidence, the clinical significance of this variant remains unclear.

GeneDx
Classification: Uncertain significance. Last evaluated: 2021-06-02. Review status: criteria provided, single submitter. Criteria: GeneDx Variant Classification Process June 2021. Collection method: clinical testing. Allele origin: germline. Affected: yes.
Comment: In silico analysis, which includes protein predictors and evolutionary conservation, supports that this variant does not alter protein structure/function; Has not been previously published as pathogenic or benign to our knowledge; This variant is associated with the following publications: (PMID: 27535533, 29056344)

NM_006231.4(POLE):c.6676G>A (p.Gly2226Arg)

Gene: POLE (DNA polymerase epsilon, catalytic subunit; minus strand). Cytogenetic location: 12q24.33.
Variant type: single nucleotide variant.
Coding change: c.6676G>A on transcript NM_006231.4 (MANE Select); coding-DNA position 6676, G replaced by A.
Protein change: p.Gly2226Arg; replaces glycine 2226 with arginine.
Molecular consequence: missense variant.
Genome position (GRCh38, 1-based): chr12:132,624,976, C>T on the plus strand (G>A on the coding strand, the complement: POLE is on the minus strand). VCF-style: chr12-132624976-C-T. GRCh37 (hg19) VCF-style: chr12-133201562-C-T.
Other names: short protein forms G2226R.
Identifiers: ClinVar variation 540703 (VCV000540703.13), dbSNP rs766291093, ClinGen allele CA6892014.